The following is an entry in ClinVar:

ClinVar aggregate classification (germline): Benign. Review status: criteria provided, multiple submitters, no conflicts (2 of 4 stars). 3 submissions from 3 submitters: Benign (3). Last evaluated 2025-10-01.

Allele frequency attached by ClinVar (database versions not stated): gnomAD exomes 0.00260; ExAC 0.00315; gnomAD 0.00923 and 0.00981; ESP Exome Variant Server 0.00961; TOPMed 0.01022; 1000 Genomes Project 0.01238; 1000 Genomes Project 30x 0.01327.
gnomAD v4.1: 2,710 of 1,614,024 alleles (0.17%); highest among the groups gnomAD compares: African/African-American, 3.1%; 37 homozygotes.

Submissions (3):

CeGaT Center for Human Genetics Tuebingen
Classification: Benign. Last evaluated: 2025-10-01. Review status: criteria provided, single submitter. Criteria: CeGaT Center For Human Genetics Tuebingen Variant Classification Criteria Version 2. Collection method: clinical testing. Allele origin: germline. Affected: yes. Observed: 1 variant allele.
Comment: LIPE: BS1, BS2

Labcorp Genetics (formerly Invitae), Labcorp
Classification: Benign. Last evaluated: 2019-12-31. Review status: criteria provided, single submitter. Criteria: Invitae Variant Classification Sherloc (09022015). Collection method: clinical testing. Allele origin: germline.

Breakthrough Genomics
Classification: Benign. Review status: criteria provided, single submitter. Criteria: ACMG Guidelines, 2015. Collection method: not provided. Allele origin: germline. Inheritance: Autosomal recessive inheritance. Affected: yes.

NM_005357.4(LIPE):c.1495A>C (p.Asn499His)

Genes: LIPE (lipase E, hormone sensitive type; minus strand), LIPE-AS1 (LIPE antisense RNA 1; plus strand), LOC101930071 (uncharacterized LOC101930071; plus strand). Cytogenetic location: 19q13.2.
Variant type: single nucleotide variant.
Coding change: c.1495A>C on transcript NM_005357.4 (MANE Select); coding-DNA position 1495, A replaced by C.
Protein change: p.Asn499His; replaces asparagine 499 with histidine.
Molecular consequence: missense variant.
Genome position (GRCh38, 1-based): chr19:42,408,247, T>G on the plus strand (A>C on the coding strand, the complement: LIPE is on the minus strand). VCF-style: chr19-42408247-T-G. GRCh37 (hg19) VCF-style: chr19-42912399-T-G.
Other names: short protein forms N499H.
Identifiers: ClinVar variation 778601 (VCV000778601.11), dbSNP rs33921216, ClinGen allele CA9477006.
Genomic context (GRCh38, chr19:42,408,247, plus strand): 5'-AGGGCCAAGAGAGTAGGCTGCGAGTAGAACCTGGCTGGGACTCACTGAGGCCTGTCTCGT[T>G]GCGTTTGTAGTGCTCCCCGAAGGACACCAGCCCAATGGAGATGGTCTGCAGGAATGGCCG-3'
Protein context (NP_005348.2, residues 489-509): LVSFGEHYKR[Asn499His]ETGLSVAASS